The following is an entry in ClinVar:

ClinVar aggregate classification (germline): Uncertain significance (1 of 4 stars; one submission).

Submission:

ARUP Laboratories, Molecular Genetics and Genomics, ARUP Laboratories
Classification: Uncertain significance. Last evaluated: 2024-08-01. Review status: criteria provided, single submitter. Criteria: ARUP Molecular Germline Variant Investigation Process 2024. Collection method: clinical testing. Allele origin: germline.
Comment: The SOX9 c.1028C>G; p.Pro343Arg variant, to our knowledge, is not reported in the medical literature or gene specific databases. This variant is also absent from the Genome Aggregation Database (v2.1.1), indicating it is not a common polymorphism. Computational analyses are uncertain whether this variant is neutral or deleterious (REVEL: 0.401). Due to limited information, the clinical significance of this variant is uncertain at this time.

NM_000346.4(SOX9):c.1028C>G (p.Pro343Arg)

Gene: SOX9 (SRY-box transcription factor 9; plus strand). Cytogenetic location: 17q24.3.
Variant type: single nucleotide variant.
Coding change: c.1028C>G on transcript NM_000346.4 (MANE Select); coding-DNA position 1028, C replaced by G.
Protein change: p.Pro343Arg; replaces proline 343 with arginine.
Molecular consequence: missense variant.
Genome position (GRCh38, 1-based): chr17:72,123,885, C>G. VCF-style: chr17-72123885-C-G. GRCh37 (hg19) VCF-style: chr17-70120026-C-G.
Other names: short protein forms P343R.
Identifiers: ClinVar variation 3766757 (VCV003766757.1).